The following is an entry in ClinVar:

ClinVar aggregate classification (germline): Uncertain significance (1 of 4 stars; one submission).

Conditions:
Hereditary breast ovarian cancer syndrome. Also called: Hereditary breast and ovarian cancer syndrome; Hereditary breast and/or ovarian cancer syndrome; Hereditary breast and ovarian cancer syndrome (HBOC); Breast and ovarian cancer; BRCA1- and BRCA2-Associated Hereditary Breast and Ovarian Cancer; Hereditary breast and ovarian cancer. Identifiers: Orphanet 145, MedGen C0677776, MeSH D061325, MONDO:0003582. Disease mechanism: loss of function.

Submission:

Labcorp Genetics (formerly Invitae), Labcorp
Classification: Uncertain significance for Hereditary breast ovarian cancer syndrome. Last evaluated: 2022-09-01. Review status: criteria provided, single submitter. Criteria: Invitae Variant Classification Sherloc (09022015). Collection method: clinical testing. Allele origin: germline.
Comment: This sequence change replaces glutamic acid, which is acidic and polar, with glycine, which is neutral and non-polar, at codon 2772 of the BRCA2 protein (p.Glu2772Gly). This variant is not present in population databases (gnomAD no frequency). This variant has not been reported in the literature in individuals affected with BRCA2-related conditions. ClinVar contains an entry for this variant (Variation ID: 1000707). Advanced modeling of protein sequence and biophysical properties (such as structural, functional, and spatial information, amino acid conservation, physicochemical variation, residue mobility, and thermodynamic stability) performed at Invitae indicates that this missense variant is not expected to disrupt BRCA2 protein function. In summary, the available evidence is currently insufficient to determine the role of this variant in disease. Therefore, it has been classified as a Variant of Uncertain Significance.

NM_000059.4(BRCA2):c.8315A>G (p.Glu2772Gly)

Gene: BRCA2 (BRCA2 DNA repair associated; plus strand). Cytogenetic location: 13q13.1.
Variant type: single nucleotide variant.
Coding change: c.8315A>G on transcript NM_000059.4 (MANE Select); coding-DNA position 8315, A replaced by G.
Protein change: p.Glu2772Gly; replaces glutamic acid 2772 with glycine.
Molecular consequence: missense variant.
Genome position (GRCh38, 1-based): chr13:32,363,517, A>G. VCF-style: chr13-32363517-A-G. GRCh37 (hg19) VCF-style: chr13-32937654-A-G.
Other names: short protein forms E2772G.
Identifiers: ClinVar variation 1000707 (VCV001000707.9), dbSNP rs1555287082, ClinGen allele CA387750233.
Genomic context (GRCh38, chr13:32,363,517, plus strand): 5'-TTCTTCATGGAGCAGAACTGGTGGGCTCTCCTGATGCCTGTACACCTCTTGAAGCCCCAG[A>G]ATCTCTTATGTTAAAGGTAAATTAATTTGCACTCTTGGTAAAAATCAGTCATTGATTCAG-3'
Protein context (NP_000050.3, residues 2762-2782): PDACTPLEAP[Glu2772Gly]SLMLKISANS